The following is an entry in ClinVar:

NM_000455.5(STK11):c.733del (p.Leu245fs)

Gene: STK11 (serine/threonine kinase 11; plus strand). Cytogenetic location: 19p13.3.
Variant type: Deletion.
Coding change: c.733del on transcript NM_000455.5 (MANE Select); coding-DNA position 733, one base deleted (C; older notation c.733delC).
Protein change: p.Leu245fs; shifts the reading frame from leucine 245.
Molecular consequence: frameshift variant. On other transcripts: non-coding transcript variant (1).
Genome position (GRCh38, 1-based): chr19:1,220,716, C deleted; the last of 3 consecutive C bases (chr19:1,220,714-1,220,716); deleting any one gives the same sequence. VCF-style (leftmost placement, unchanged base first): chr19-1220713-AC-A. GRCh37 (hg19) VCF-style: chr19-1220712-AC-A.
Other names: c.733del, p.Leu245fs (NM_001407255.1); short protein forms L245fs.
Identifiers: ClinVar variation 3723217 (VCV003723217.2).

ClinVar aggregate classification (germline): Pathogenic (1 of 4 stars; one submission).

Conditions:
Peutz-Jeghers syndrome (PJS). Also called: POLYPOSIS, HAMARTOMATOUS INTESTINAL; POLYPS-AND-SPOTS SYNDROME; Peutz-Jeghers polyposis; Periorificial lentiginosis syndrome. Identifiers: Orphanet 2869, MedGen C0031269, MeSH D010580, MONDO:0008280, OMIM 175200.

Submission:

Labcorp Genetics (formerly Invitae), Labcorp
Classification: Pathogenic for Peutz-Jeghers syndrome. Last evaluated: 2024-02-22. Review status: criteria provided, single submitter. Criteria: Invitae Variant Classification Sherloc (09022015). Collection method: clinical testing. Allele origin: germline.
Comment: This sequence change creates a premature translational stop signal (p.Leu245Serfs*42) in the STK11 gene. It is expected to result in an absent or disrupted protein product. Loss-of-function variants in STK11 are known to be pathogenic (PMID: 15188174, 16287113). This variant is not present in population databases (gnomAD no frequency). This premature translational stop signal has been observed in individual(s) with Peutz-Jeghers syndrome (PMID: 9760200). For these reasons, this variant has been classified as Pathogenic.

Literature cited by the submitters: PubMed 15188174; PubMed 16287113; PubMed 9760200.